The following is an entry in ClinVar:

NM_003072.5(SMARCA4):c.483C>G (p.Ala161=)

Gene: SMARCA4 (SWI/SNF related BAF chromatin remodeling complex subunit ATPase 4; plus strand). Cytogenetic location: 19p13.2.
Variant type: single nucleotide variant.
Coding change: c.483C>G on transcript NM_003072.5 (MANE Select); coding-DNA position 483, C replaced by G.
Protein change: p.Ala161=; no amino-acid change (alanine 161 retained).
Molecular consequence: synonymous variant. On other transcripts: non-coding transcript variant (1).
Genome position (GRCh38, 1-based): chr19:10,986,316, C>G. VCF-style: chr19-10986316-C-G. GRCh37 (hg19) VCF-style: chr19-11096992-C-G.
Other names: c.483C>G, p.Ala161= (NM_001128844.3, NM_001128845.2, NM_001128846.2 and 5 more transcripts).
Identifiers: ClinVar variation 484858 (VCV000484858.14), dbSNP rs1555753188, ClinGen allele CA505743881.

ClinVar aggregate classification (germline): Benign/Likely benign. Review status: criteria provided, multiple submitters, no conflicts (2 of 4 stars). 3 submissions from 3 submitters: Benign (1); Likely benign (2). Last evaluated 2026-07-09.

Conditions:
Rhabdoid tumor predisposition syndrome 2 (RTPS2). Identifiers: Orphanet 231108, Orphanet 69077, MedGen C2750074, MONDO:0013224, OMIM 613325.
Hereditary cancer-predisposing syndrome. Also called: Tumor predisposition; Neoplastic Syndromes, Hereditary; Hereditary Cancer Syndrome; Hereditary neoplastic syndrome. Identifiers: Orphanet 140162, MedGen C0027672, MeSH D009386, MONDO:0015356.

Allele frequency attached by ClinVar (database versions not stated): TOPMed below 0.00001.

Submissions (3):

Myriad Genetics, Inc.
Classification: Benign for Rhabdoid tumor predisposition syndrome 2. Last evaluated: 2026-07-09. Review status: criteria provided, single submitter. Criteria: Myriad Autosomal Dominant, Autosomal Recessive and X-Linked Classification Criteria (2023). Collection method: clinical testing. Allele origin: unknown.
Comment: This variant is considered benign. This variant is a silent/synonymous amino acid change and it is not expected to impact splicing.

Labcorp Genetics (formerly Invitae), Labcorp
Classification: Likely benign for Rhabdoid tumor predisposition syndrome 2. Last evaluated: 2025-07-07. Review status: criteria provided, single submitter. Criteria: Invitae Variant Classification Sherloc (09022015). Collection method: clinical testing. Allele origin: germline.

Ambry Genetics
Classification: Likely benign for Hereditary cancer-predisposing syndrome. Last evaluated: 2016-11-18. Review status: criteria provided, single submitter. Criteria: Ambry Variant Classification Scheme 2023. Collection method: clinical testing. Allele origin: germline.